The following is an entry in ClinVar:

NM_206933.4(USH2A):c.8862del (p.Gly2955fs)

Gene: USH2A (usherin; minus strand). Cytogenetic location: 1q41.
Variant type: Deletion.
Coding change: c.8862del on transcript NM_206933.4 (MANE Select); coding-DNA position 8862, one base deleted (A; older notation c.8862delA).
Protein change: p.Gly2955fs; shifts the reading frame from glycine 2955.
Molecular consequence: frameshift variant.
Genome position (GRCh38, 1-based): chr1:215,846,017, T deleted on the plus strand (A on the coding strand, the reverse complement: USH2A is on the minus strand); the first of 2 consecutive T bases (chr1:215,846,017-215,846,018); deleting either gives the same sequence. VCF-style (leftmost placement, unchanged base first): chr1-215846016-CT-C. GRCh37 (hg19) VCF-style: chr1-216019358-CT-C.
Other names: short protein forms G2955fs.
Identifiers: ClinVar variation 1450041 (VCV001450041.6), dbSNP rs2102823350, ClinGen allele CA2573131611.

ClinVar aggregate classification (germline): Pathogenic (1 of 4 stars; one submission).

Submission:

Labcorp Genetics (formerly Invitae), Labcorp
Classification: Pathogenic. Last evaluated: 2021-04-17. Review status: criteria provided, single submitter. Criteria: Invitae Variant Classification Sherloc (09022015). Collection method: clinical testing. Allele origin: germline.
Comment: For these reasons, this variant has been classified as Pathogenic. This variant has not been reported in the literature in individuals with USH2A-related conditions. This variant is not present in population databases (ExAC no frequency). This sequence change creates a premature translational stop signal (p.Gly2955Valfs*19) in the USH2A gene. It is expected to result in an absent or disrupted protein product. Loss-of-function variants in USH2A are known to be pathogenic (PMID: 10729113, 10909849, 20507924, 25649381).

Literature cited by the submitters: PubMed 10729113; PubMed 10909849; PubMed 20507924; PubMed 25649381.